The following is an entry in ClinVar:

NM_004628.5(XPC):c.46C>G (p.Leu16Val)

Genes: XPC (XPC complex subunit, DNA damage recognition and repair factor; minus strand), LOC129936244 (ATAC-STARR-seq lymphoblastoid active region 19500; plus strand). Cytogenetic location: 3p25.1.
Variant type: single nucleotide variant.
Coding change: c.46C>G on transcript NM_004628.5 (MANE Select); coding-DNA position 46, C replaced by G.
Protein change: p.Leu16Val; replaces leucine 16 with valine.
Molecular consequence: missense variant. On other transcripts: 5 prime UTR variant (1), non-coding transcript variant (2).
Genome position (GRCh38, 1-based): chr3:14,178,523, G>C on the plus strand (C>G on the coding strand, the complement: XPC is on the minus strand). VCF-style: chr3-14178523-G-C. GRCh37 (hg19) VCF-style: chr3-14220023-G-C.
Other names: c.-410C>G (NM_001354726.2); c.46C>G, p.Leu16Val (NM_001354727.2, NM_001354729.2, NM_001354730.2); short protein forms L16V.
Identifiers: ClinVar variation 135465 (VCV000135465.23), dbSNP rs1870134, ClinGen allele CA162853.

ClinVar aggregate classification (germline): Benign. Review status: criteria provided, multiple submitters, no conflicts (2 of 4 stars). 11 submissions from 11 submitters: Benign (10). 1 of the submissions does not count toward it. Last evaluated 2026-02-04.

Conditions:
Xeroderma pigmentosum, group C (XPC). Also called: Xeroderma pigmentosum, complementation group C; XPC-Related Xeroderma Pigmentosum; XERODERMA PIGMENTOSUM III; XP, GROUP C. Identifiers: Orphanet 910, MedGen C2752147, MONDO:0010211, OMIM 278720.
Xeroderma pigmentosum group A (XPA). Also called: Xeroderma pigmentosum, complementation group A; XP, group A; XPA-Related Xeroderma Pigmentosum. Identifiers: Orphanet 910, MedGen C0268135, MONDO:0010210, OMIM 278700.

Allele frequency attached by ClinVar (database versions not stated): ESP Exome Variant Server 0.00494; gnomAD 0.01876; TOPMed 0.03017; 1000 Genomes Project 0.06510; 1000 Genomes Project 30x 0.06496.
gnomAD v4.1: 26,597 of 1,612,914 alleles (1.6%); highest among the groups gnomAD compares: East Asian, 21%; 1,591 homozygotes.

Submissions (31):

Labcorp Genetics (formerly Invitae), Labcorp
Classification: Benign. Last evaluated: 2026-02-04. Review status: criteria provided, single submitter. Criteria: Invitae Variant Classification Sherloc (09022015). Collection method: clinical testing. Allele origin: germline.

Dasa
Classification: Benign. Last evaluated: 2025-11-17. Review status: criteria provided, single submitter. Criteria: DASA Assertion Criteria. Collection method: clinical testing. Allele origin: germline.
Comment: NM_004628.5(XPC):c.46C>G (p.Leu16Val) is a missense variant that results in the substitution of leucine with valine. Population frequency is inconsistent with a disease-causing role for this variant, and observations in unaffected individuals support a benign interpretation. Computational prediction algorithms are consistent with a benign effect. Therefore, based on the currently available evidence, this variant is classified as benign.

KCCC/NGS Laboratory, Kuwait Cancer Control Center
Classification: Benign for Xeroderma pigmentosum group A. Last evaluated: 2023-07-07. Review status: criteria provided, single submitter. Criteria: ACMG Guidelines, 2015. Collection method: clinical testing. Allele origin: germline. Affected: yes.

Genome-Nilou Lab
Classification: Benign for Xeroderma pigmentosum, group C. Last evaluated: 2021-12-05. Review status: criteria provided, single submitter. Criteria: ACMG Guidelines, 2015. Collection method: clinical testing. Allele origin: germline. Affected: no.

Women's Health and Genetics/Laboratory Corporation of America, LabCorp
Classification: Benign. Last evaluated: 2021-06-16. Review status: criteria provided, single submitter. Criteria: LabCorp Variant Classification Summary - May 2015. Collection method: clinical testing. Allele origin: germline.
Comment: Variant summary: XPC c.46C>G (p.Leu16Val) results in a conservative amino acid change in the encoded protein sequence. Five of five in-silico tools predict a benign effect of the variant on protein function. The variant allele was found at a frequency of 0.042 in 246582 control chromosomes in the gnomAD database, including 771 homozygotes. The observed variant frequency is approximately 59-fold of the estimated maximal expected allele frequency for a pathogenic variant in XPC causing Xeroderma Pigmentosum phenotype (0.00071), strongly suggesting that the variant is benign. To our knowledge, no occurrence of c.46C>G in individuals affected with Xeroderma Pigmentosum and no experimental evidence demonstrating its impact on protein function have been reported. A ClinVar submitter (evaluation after 2014) cites the variant as benign. Based on the evidence outlined above, the variant was classified as benign.

GeneDx
Classification: Benign. Last evaluated: 2019-06-09. Review status: criteria provided, single submitter. Criteria: GeneDx Variant Classification Process June 2021. Collection method: clinical testing. Allele origin: germline. Affected: yes.

Illumina Laboratory Services, Illumina
Classification: Benign for Xeroderma pigmentosum, group C. Last evaluated: 2018-01-13. Review status: criteria provided, single submitter. Criteria: ICSL Variant Classification Criteria 13 December 2019. Collection method: clinical testing. Allele origin: germline.
Comment: This variant was observed in the ICSL laboratory as part of a predisposition screen in an ostensibly healthy population. It had not been previously curated by ICSL or reported in the Human Gene Mutation Database (HGMD: prior to June 1st, 2018), and was therefore a candidate for classification through an automated scoring system. Utilizing variant allele frequency, disease prevalence and penetrance estimates, and inheritance mode, an automated score was calculated to assess if this variant is too frequent to cause the disease. Based on the score and internal cut-off values, a variant classified as benign is not then subjected to further curation. The score for this variant resulted in a classification of benign for this disease.

Claritas Genomics
Classification: Benign. Last evaluated: 2012-06-20. Review status: criteria provided, single submitter. Criteria: ACMG Guidelines, 2007. Collection method: clinical testing. Allele origin: germline. Inheritance: Autosomal recessive inheritance.

Breakthrough Genomics
Classification: Benign. Review status: criteria provided, single submitter. Criteria: ACMG Guidelines, 2015. Collection method: not provided. Allele origin: germline. Inheritance: Autosomal recessive inheritance. Affected: yes.

PreventionGenetics, part of Exact Sciences
Classification: Benign. Review status: criteria provided, single submitter. Criteria: ACMG Guidelines, 2015. Collection method: clinical testing. Allele origin: germline.

ITMI
No classification provided. Condition: AllHighlyPenetrant. Last evaluated: 2013-09-19. Review status: no classification provided. Collection method: reference population. Allele origin: germline. Not counted in ClinVar's aggregate classification.
Comment: Please see associated publication for description of ethnicities

Dr. Peter K. Rogan Lab, Western University
No classification provided (evidence only). Condition: Acute myeloid leukemia. Review status: no classification provided. Collection method: in vitro. Allele origin: not applicable. Functional consequence: retained intron. Not counted in ClinVar's aggregate classification.

Dr. Peter K. Rogan Lab, Western University
No classification provided (evidence only). Condition: Acute myeloid leukemia. Review status: no classification provided. Collection method: in vitro. Allele origin: not applicable. Functional consequence: retained intron. Not counted in ClinVar's aggregate classification.

Dr. Peter K. Rogan Lab, Western University
No classification provided (evidence only). Condition: Thyroid cancer, nonmedullary, 1. Review status: no classification provided. Collection method: in vitro. Allele origin: not applicable. Functional consequence: retained intron. Not counted in ClinVar's aggregate classification.

Dr. Peter K. Rogan Lab, Western University
No classification provided (evidence only). Condition: Uterine corpus endometrial carcinoma. Review status: no classification provided. Collection method: in vitro. Allele origin: not applicable. Functional consequence: retained intron. Not counted in ClinVar's aggregate classification.

Dr. Peter K. Rogan Lab, Western University
No classification provided (evidence only). Condition: Uterine corpus endometrial carcinoma. Review status: no classification provided. Collection method: in vitro. Allele origin: not applicable. Functional consequence: retained intron. Not counted in ClinVar's aggregate classification.

Dr. Peter K. Rogan Lab, Western University
No classification provided (evidence only). Condition: Cervical cancer. Review status: no classification provided. Collection method: in vitro. Allele origin: not applicable. Functional consequence: retained intron. Not counted in ClinVar's aggregate classification.

Dr. Peter K. Rogan Lab, Western University
No classification provided (evidence only). Condition: Sarcoma. Review status: no classification provided. Collection method: in vitro. Allele origin: not applicable. Functional consequence: retained intron. Not counted in ClinVar's aggregate classification.

Dr. Peter K. Rogan Lab, Western University
No classification provided (evidence only). Condition: Sarcoma. Review status: no classification provided. Collection method: in vitro. Allele origin: not applicable. Functional consequence: retained intron. Not counted in ClinVar's aggregate classification.

Dr. Peter K. Rogan Lab, Western University
No classification provided (evidence only). Condition: Malignant lymphoma, large B-cell, diffuse. Review status: no classification provided. Collection method: in vitro. Allele origin: not applicable. Functional consequence: retained intron. Not counted in ClinVar's aggregate classification.

Dr. Peter K. Rogan Lab, Western University
No classification provided (evidence only). Condition: Ovarian serous cystadenocarcinoma. Review status: no classification provided. Collection method: in vitro. Allele origin: not applicable. Functional consequence: retained intron. Not counted in ClinVar's aggregate classification.

Dr. Peter K. Rogan Lab, Western University
No classification provided (evidence only). Condition: Ovarian serous cystadenocarcinoma. Review status: no classification provided. Collection method: in vitro. Allele origin: not applicable. Functional consequence: retained intron. Not counted in ClinVar's aggregate classification.

Dr. Peter K. Rogan Lab, Western University
No classification provided (evidence only). Condition: Ovarian serous cystadenocarcinoma. Review status: no classification provided. Collection method: in vitro. Allele origin: not applicable. Functional consequence: retained intron. Not counted in ClinVar's aggregate classification.

Dr. Peter K. Rogan Lab, Western University
No classification provided (evidence only). Condition: Ovarian serous cystadenocarcinoma. Review status: no classification provided. Collection method: in vitro. Allele origin: not applicable. Functional consequence: retained intron. Not counted in ClinVar's aggregate classification.

Dr. Peter K. Rogan Lab, Western University
No classification provided (evidence only). Condition: Ovarian serous cystadenocarcinoma. Review status: no classification provided. Collection method: in vitro. Allele origin: not applicable. Functional consequence: retained intron. Not counted in ClinVar's aggregate classification.

Dr. Peter K. Rogan Lab, Western University
No classification provided (evidence only). Condition: Malignant tumor of esophagus. Review status: no classification provided. Collection method: in vitro. Allele origin: not applicable. Functional consequence: retained intron. Not counted in ClinVar's aggregate classification.

Dr. Peter K. Rogan Lab, Western University
No classification provided (evidence only). Condition: Malignant tumor of esophagus. Review status: no classification provided. Collection method: in vitro. Allele origin: not applicable. Functional consequence: retained intron. Not counted in ClinVar's aggregate classification.

Dr. Peter K. Rogan Lab, Western University
No classification provided (evidence only). Condition: Malignant tumor of esophagus. Review status: no classification provided. Collection method: in vitro. Allele origin: not applicable. Functional consequence: retained intron. Not counted in ClinVar's aggregate classification.

Dr. Peter K. Rogan Lab, Western University
No classification provided (evidence only). Condition: Malignant tumor of esophagus. Review status: no classification provided. Collection method: in vitro. Allele origin: not applicable. Functional consequence: retained intron. Not counted in ClinVar's aggregate classification.

Dr. Peter K. Rogan Lab, Western University
No classification provided (evidence only). Condition: Malignant tumor of esophagus. Review status: no classification provided. Collection method: in vitro. Allele origin: not applicable. Functional consequence: retained intron. Not counted in ClinVar's aggregate classification.

Dr. Peter K. Rogan Lab, Western University
No classification provided (evidence only). Condition: Malignant tumor of esophagus. Review status: no classification provided. Collection method: in vitro. Allele origin: not applicable. Functional consequence: retained intron. Not counted in ClinVar's aggregate classification.

Literature cited by the submitters: PubMed 24728327 (cited by ITMI).